The following is an entry in ClinVar:

NM_000722.4(CACNA2D1):c.215C>T (p.Pro72Leu)

Gene: CACNA2D1 (calcium voltage-gated channel auxiliary subunit alpha2delta 1; minus strand). Cytogenetic location: 7q21.11.
Variant type: single nucleotide variant.
Coding change: c.215C>T on transcript NM_000722.4 (MANE Select); coding-DNA position 215, C replaced by T.
Protein change: p.Pro72Leu; replaces proline 72 with leucine.
Molecular consequence: missense variant.
Genome position (GRCh38, 1-based): chr7:82,335,214, G>A on the plus strand (C>T on the coding strand, the complement: CACNA2D1 is on the minus strand). VCF-style: chr7-82335214-G-A. GRCh37 (hg19) VCF-style: chr7-81964530-G-A.
Other names: c.215C>T, p.Pro72Leu (NM_001302890.2, NM_001366867.1); short protein forms P72L.
Identifiers: ClinVar variation 1786869 (VCV001786869.2), dbSNP rs2490723033, ClinGen allele CA368017895.

ClinVar aggregate classification (germline): Uncertain significance (1 of 4 stars; one submission).

Conditions:
Cardiovascular phenotype. Identifiers: MedGen CN230736.

Submission:

Ambry Genetics
Classification: Uncertain significance for Cardiovascular phenotype. Last evaluated: 2022-08-03. Review status: criteria provided, single submitter. Criteria: Ambry Variant Classification Scheme 2023. Collection method: clinical testing. Allele origin: germline.
Comment: The p.P72L variant (also known as c.215C>T), located in coding exon 3 of the CACNA2D1 gene, results from a C to T substitution at nucleotide position 215. The proline at codon 72 is replaced by leucine, an amino acid with similar properties. This amino acid position is conserved. In addition, this alteration is predicted to be tolerated by in silico analysis. Since supporting evidence is limited at this time, the clinical significance of this alteration remains unclear.